The following is an entry in ClinVar:

NM_000452.3(SLC10A2):c.9T>G (p.Asp3Glu)

Gene: SLC10A2 (solute carrier family 10 member 2; minus strand). Cytogenetic location: 13q33.1.
Variant type: single nucleotide variant.
Coding change: c.9T>G on transcript NM_000452.3 (MANE Select); coding-DNA position 9, T replaced by G.
Protein change: p.Asp3Glu; replaces aspartic acid 3 with glutamic acid.
Molecular consequence: missense variant.
Genome position (GRCh38, 1-based): chr13:103,066,241, A>C on the plus strand (T>G on the coding strand, the complement: SLC10A2 is on the minus strand). VCF-style: chr13-103066241-A-C. GRCh37 (hg19) VCF-style: chr13-103718591-A-C.
Other names: short protein forms D3E.
Identifiers: ClinVar variation 1990328 (VCV001990328.4), dbSNP rs1173763346, ClinGen allele CA388609682.

ClinVar aggregate classification (germline): Uncertain significance (1 of 4 stars; one submission).

Allele frequency attached by ClinVar (database versions not stated): gnomAD exomes 0.00001.

Submission:

Labcorp Genetics (formerly Invitae), Labcorp
Classification: Uncertain significance. Last evaluated: 2022-08-12. Review status: criteria provided, single submitter. Criteria: Invitae Variant Classification Sherloc (09022015). Collection method: clinical testing. Allele origin: germline.
Comment: In summary, the available evidence is currently insufficient to determine the role of this variant in disease. Therefore, it has been classified as a Variant of Uncertain Significance. Algorithms developed to predict the effect of missense changes on protein structure and function (SIFT, PolyPhen-2, Align-GVGD) all suggest that this variant is likely to be tolerated. This variant has not been reported in the literature in individuals affected with SLC10A2-related conditions. This variant is present in population databases (no rsID available, gnomAD 0.0009%). This sequence change replaces aspartic acid, which is acidic and polar, with glutamic acid, which is acidic and polar, at codon 3 of the SLC10A2 protein (p.Asp3Glu).